The following is an entry in ClinVar:

ClinVar aggregate classification (germline): Uncertain significance (1 of 4 stars; one submission).

Allele frequency attached by ClinVar (database versions not stated): gnomAD exomes below 0.00001; TOPMed below 0.00001; gnomAD 0.00001.
gnomAD v4.1: 6 of 1,574,186 alleles (0.00038%); highest among the groups gnomAD compares: South Asian, 0.0012%; no homozygotes.

Submission:

Labcorp Genetics (formerly Invitae), Labcorp
Classification: Uncertain significance. Last evaluated: 2023-05-08. Review status: criteria provided, single submitter. Criteria: Invitae Variant Classification Sherloc (09022015). Collection method: clinical testing. Allele origin: germline.
Comment: This sequence change replaces proline, which is neutral and non-polar, with serine, which is neutral and polar, at codon 2334 of the FBN3 protein (p.Pro2334Ser). In summary, the available evidence is currently insufficient to determine the role of this variant in disease. Therefore, it has been classified as a Variant of Uncertain Significance. Advanced modeling of protein sequence and biophysical properties (such as structural, functional, and spatial information, amino acid conservation, physicochemical variation, residue mobility, and thermodynamic stability) performed at Invitae indicates that this missense variant is not expected to disrupt FBN3 protein function. ClinVar contains an entry for this variant (Variation ID: 1485176). This variant has not been reported in the literature in individuals affected with FBN3-related conditions. This variant is present in population databases (no rsID available, gnomAD 0.007%).

NM_032447.5(FBN3):c.7000C>T (p.Pro2334Ser)

Gene: FBN3 (fibrillin 3; minus strand). Cytogenetic location: 19p13.2.
Variant type: single nucleotide variant.
Coding change: c.7000C>T on transcript NM_032447.5 (MANE Select); coding-DNA position 7000, C replaced by T.
Protein change: p.Pro2334Ser; replaces proline 2334 with serine.
Molecular consequence: missense variant.
Genome position (GRCh38, 1-based): chr19:8,085,450, G>A on the plus strand (C>T on the coding strand, the complement: FBN3 is on the minus strand). VCF-style: chr19-8085450-G-A. GRCh37 (hg19) VCF-style: chr19-8150334-G-A.
Other names: c.7000C>T, p.Pro2334Ser (NM_001321431.2); short protein forms P2334S.
Identifiers: ClinVar variation 1485176 (VCV001485176.8), dbSNP rs1196347611, ClinGen allele CA403708702.